The following is an entry in ClinVar:

ClinVar aggregate classification (germline): Conflicting classifications of pathogenicity. Review status: criteria provided, conflicting classifications (1 of 4 stars). 2 submissions from 1 submitter: Uncertain significance (1); Benign (1). Last evaluated 2018-01-12.

Conditions:
Pseudohypoaldosteronism, type IB1, autosomal recessive. Also called: Pseudohypoaldosteronism, Type I, Autosomal Recessive; PHA I, AUTOSOMAL RECESSIVE; Pseudohypoaldosteronism, Type I, Recessive; Autosomal recessive pseudohypoaldosteronism type 1. Identifiers: Orphanet 171876, Orphanet 756, MedGen C5774176, MONDO:0009917, OMIM 264350.
Bronchiectasis with or without elevated sweat chloride 2 (BESC2). Identifiers: Orphanet 60033, MedGen C2751666, MONDO:0013087, OMIM 613021.

Allele frequency attached by ClinVar (database versions not stated): TOPMed below 0.00001; gnomAD 0.00001; ExAC 0.00013.
gnomAD v4.1: 30 of 1,614,134 alleles (0.0019%); highest among the groups gnomAD compares: Non-Finnish European, 0.0022%; no homozygotes.

Submissions (2):

Illumina Laboratory Services, Illumina
Classification: Benign for Bronchiectasis with or without elevated sweat chloride 2. Last evaluated: 2018-01-12. Review status: criteria provided, single submitter. Criteria: ICSL Variant Classification Criteria 13 December 2019. Collection method: clinical testing. Allele origin: germline.
Comment: This variant was observed in the ICSL laboratory as part of a predisposition screen in an ostensibly healthy population. It had not been previously curated by ICSL or reported in the Human Gene Mutation Database (HGMD: prior to June 1st, 2018), and was therefore a candidate for classification through an automated scoring system. Utilizing variant allele frequency, disease prevalence and penetrance estimates, and inheritance mode, an automated score was calculated to assess if this variant is too frequent to cause the disease. Based on the score and internal cut-off values, a variant classified as benign is not then subjected to further curation. The score for this variant resulted in a classification of benign for this disease.

Illumina Laboratory Services, Illumina
Classification: Uncertain significance for Pseudohypoaldosteronism, type IB1, autosomal recessive. Last evaluated: 2018-01-12. Review status: criteria provided, single submitter. Criteria: ICSL Variant Classification Criteria 13 December 2019. Collection method: clinical testing. Allele origin: germline.

NM_001038.6(SCNN1A):c.826G>T (p.Gly276Cys)

Gene: SCNN1A (sodium channel epithelial 1 subunit alpha; minus strand). Cytogenetic location: 12p13.31.
Variant type: single nucleotide variant.
Coding change: c.826G>T on transcript NM_001038.6 (MANE Select); coding-DNA position 826, G replaced by T.
Protein change: p.Gly276Cys; replaces glycine 276 with cysteine.
Molecular consequence: missense variant.
Genome position (GRCh38, 1-based): chr12:6,362,100, C>A on the plus strand (G>T on the coding strand, the complement: SCNN1A is on the minus strand). VCF-style: chr12-6362100-C-A. GRCh37 (hg19) VCF-style: chr12-6471266-C-A.
Other names: c.895G>T, p.Gly299Cys (NM_001159575.2); c.1003G>T, p.Gly335Cys (NM_001159576.2); short protein forms G276C, G299C, G335C.
Identifiers: ClinVar variation 310148 (VCV000310148.5), dbSNP rs759933475, ClinGen allele CA6406100.